The following is an entry in ClinVar:

ClinVar aggregate classification (germline): Uncertain significance (1 of 4 stars; one submission).

gnomAD v4.1: 35 of 1,605,018 alleles (0.0022%); highest among the groups gnomAD compares: Middle Eastern, 0.019%; no homozygotes.

Submission:

CeGaT Center for Human Genetics Tuebingen
Classification: Uncertain significance. Last evaluated: 2026-01-01. Review status: criteria provided, single submitter. Criteria: CeGaT Center For Human Genetics Tuebingen Variant Classification Criteria Version 2. Collection method: clinical testing. Allele origin: germline. Affected: yes. Observed: 1 variant allele.
Comment: RALGAPA1: PM2:Supporting, BP4

NM_001346249.2(RALGAPA1):c.2511G>A (p.Gln837=)

Gene: RALGAPA1 (Ral GTPase activating protein catalytic subunit alpha 1; minus strand). Cytogenetic location: 14q13.2.
Variant type: single nucleotide variant.
Coding change: c.2511G>A on transcript NM_001346249.2 (MANE Select); coding-DNA position 2511, G replaced by A.
Protein change: p.Gln837=; no amino-acid change (glutamine 837 retained).
Molecular consequence: synonymous variant.
Genome position (GRCh38, 1-based): chr14:35,689,900, C>T on the plus strand (G>A on the coding strand, the complement: RALGAPA1 is on the minus strand). VCF-style: chr14-35689900-C-T. GRCh37 (hg19) VCF-style: chr14-36159106-C-T.
Other names: c.2370G>A, p.Gln790= (NM_001283043.3, NM_001330075.3, NM_001346243.2 and 4 more transcripts); c.2511G>A, p.Gln837= (NM_001283044.3, NM_001346245.2, NM_001346247.2).
Identifiers: ClinVar variation 4821420 (VCV004821420.4).
Genomic context (GRCh38, chr14:35,689,900, plus strand): 5'-GGCTCGTTCAACAGTGAATGGTTCCAAGATGTCAGAAGTGCTGCTACTTCGAGGCAATGG[C>T]TGCTCCTCATTCAAAGCACCAAAAACTTCATTTCCAGTTTCTTCACTTTGTGAAAAATGT-3'
Protein context (NP_001333178.1, residues 827-847): NEVFGALNEE[Gln837=]PLPRSSSTSD